The following is an entry in ClinVar:

NM_144687.4(NLRP12):c.1403G>T (p.Gly468Val)

Gene: NLRP12 (NLR family pyrin domain containing 12; minus strand). Cytogenetic location: 19q13.42.
Variant type: single nucleotide variant.
Coding change: c.1403G>T on transcript NM_144687.4 (MANE Select); coding-DNA position 1403, G replaced by T.
Protein change: p.Gly468Val; replaces glycine 468 with valine.
Molecular consequence: missense variant.
Genome position (GRCh38, 1-based): chr19:53,810,256, C>A on the plus strand (G>T on the coding strand, the complement: NLRP12 is on the minus strand). VCF-style: chr19-53810256-C-A. GRCh37 (hg19) VCF-style: chr19-54313510-C-A.
Other names: c.1403G>T, p.Gly468Val (NM_001277126.2, NM_001277129.1); c.1403G>T (NM_144687.2); short protein forms G468V.
Identifiers: ClinVar variation 1151225 (VCV001151225.37), dbSNP rs559396586, ClinGen allele CA9639433.

ClinVar aggregate classification (germline): Conflicting classifications of pathogenicity. Review status: criteria provided, conflicting classifications (1 of 4 stars). 4 submissions from 4 submitters: Uncertain significance (1); Benign (1); Likely benign (2). Last evaluated 2026-01-20.

Conditions:
Inborn genetic diseases. Identifiers: MedGen C0950123, MeSH D030342.
Familial cold autoinflammatory syndrome 2 (FCAS2). Identifiers: Orphanet 247868, MedGen C2673198, MONDO:0012724, OMIM 611762.

Allele frequency attached by ClinVar (database versions not stated): TOPMed 0.00001; gnomAD 0.00003; gnomAD exomes 0.00007 and 0.00016; ExAC 0.00015; 1000 Genomes Project 0.00020; 1000 Genomes Project 30x 0.00031.
gnomAD v4.1: 103 of 1,614,082 alleles (0.0064%); highest among the groups gnomAD compares: South Asian, 0.1%; 1 homozygote.

Submissions (4):

Labcorp Genetics (formerly Invitae), Labcorp
Classification: Likely benign for Familial cold autoinflammatory syndrome 2. Last evaluated: 2026-01-20. Review status: criteria provided, single submitter. Criteria: Invitae Variant Classification Sherloc (09022015). Collection method: clinical testing. Allele origin: germline.

Ambry Genetics
Classification: Uncertain significance for Inborn genetic diseases. Last evaluated: 2025-09-11. Review status: criteria provided, single submitter. Criteria: Ambry Variant Classification Scheme 2023. Collection method: clinical testing. Allele origin: germline.

CeGaT Center for Human Genetics Tuebingen
Classification: Benign. Last evaluated: 2023-10-01. Review status: criteria provided, single submitter. Criteria: CeGaT Center For Human Genetics Tuebingen Variant Classification Criteria Version 2. Collection method: clinical testing. Allele origin: germline. Affected: yes. Observed: 3 variant alleles.
Comment: NLRP12: BS1, BS2

Breakthrough Genomics
Classification: Likely benign. Review status: criteria provided, single submitter. Criteria: ACMG Guidelines, 2015. Collection method: not provided. Allele origin: germline. Inheritance: Autosomal dominant inheritance. Affected: yes.